The following is an entry in ClinVar:

ClinVar aggregate classification (germline): Uncertain significance. Review status: criteria provided, multiple submitters, no conflicts (2 of 4 stars). 3 submissions from 3 submitters: Uncertain significance (3). Last evaluated 2025-06-09.

Conditions:
Cardiovascular phenotype. Identifiers: MedGen CN230736.
Arrhythmogenic right ventricular dysplasia 12. Also called: ARRHYTHMOGENIC RIGHT VENTRICULAR DYSPLASIA, FAMILIAL, 12. Identifiers: MedGen C1969081, MONDO:0012684, OMIM 611528.
Naxos disease (NXD). Also called: KERATOSIS PALMOPLANTARIS WITH ARRHYTHMOGENIC CARDIOMYOPATHY; MAL DE NAXOS; CARDIOMYOPATHY, ARRHYTHMOGENIC RIGHT VENTRICULAR, WITH SKIN, HAIR, AND NAIL ABNORMALITIES; PALMOPLANTAR KERATODERMA WITH ARRHYTHMOGENIC RIGHT VENTRICULAR CARDIOMYOPATHY AND WOOLLY HAIR; WOOLLY HAIR, PALMOPLANTAR KERATODERMA, AND CARDIAC ABNORMALITIES. Identifiers: Orphanet 34217, MedGen C1832600, MONDO:0011017, OMIM 601214.

Allele frequency attached by ClinVar (database versions not stated): gnomAD exomes 0.00001; TOPMed 0.00001.
gnomAD v4.1: 12 of 1,610,614 alleles (0.00075%); highest among the groups gnomAD compares: East Asian, 0.0022%; no homozygotes.

Submissions (3):

Labcorp Genetics (formerly Invitae), Labcorp
Classification: Uncertain significance for Arrhythmogenic right ventricular dysplasia 12; Naxos disease. Last evaluated: 2025-06-09. Review status: criteria provided, single submitter. Criteria: Invitae Variant Classification Sherloc (09022015). Collection method: clinical testing. Allele origin: germline.
Comment: This sequence change replaces serine, which is neutral and polar, with leucine, which is neutral and non-polar, at codon 596 of the JUP protein (p.Ser596Leu). The frequency data for this variant in the population databases is considered unreliable, as metrics indicate poor data quality at this position in the gnomAD database. This missense change has been observed in individual(s) with clinical features of dilated cardiomyopathy (PMID: 31983221). ClinVar contains an entry for this variant (Variation ID: 571117). An algorithm developed to predict the effect of missense changes on protein structure and function (PolyPhen-2) suggests that this variant is likely to be tolerated. In summary, the available evidence is currently insufficient to determine the role of this variant in disease. Therefore, it has been classified as a Variant of Uncertain Significance.

GeneDx
Classification: Uncertain significance. Last evaluated: 2023-10-11. Review status: criteria provided, single submitter. Criteria: GeneDx Variant Classification Process June 2021. Collection method: clinical testing. Allele origin: germline. Affected: yes.
Comment: Has been reported in 1/1040 individuals with DCM (Mazzarotto et al., 2020); Not observed at significant frequency in large population cohorts (gnomAD); In silico analysis supports that this missense variant has a deleterious effect on protein structure/function; This variant is associated with the following publications: (PMID: 31983221)

Ambry Genetics
Classification: Uncertain significance for Cardiovascular phenotype. Last evaluated: 2021-04-16. Review status: criteria provided, single submitter. Criteria: Ambry Variant Classification Scheme 2023. Collection method: clinical testing. Allele origin: germline.
Comment: The p.S596L variant (also known as c.1787C>T), located in coding exon 10 of the JUP gene, results from a C to T substitution at nucleotide position 1787. The serine at codon 596 is replaced by leucine, an amino acid with dissimilar properties. This variant was reported in one individual from a dilated cardiomyopathy (DCM) cohort with limited clinical details provided (Mazzarotto F et al. Circulation, 2020 02;141:387-398). This amino acid position is not well conserved in available vertebrate species. In addition, this alteration is predicted to be tolerated by in silico analysis. Since supporting evidence is limited at this time, the clinical significance of this alteration remains unclear.

Literature cited by the submitters: PubMed 31983221 (cited by Labcorp Genetics (formerly Invitae), Labcorp and Ambry Genetics).

NM_002230.4(JUP):c.1787C>T (p.Ser596Leu)

Gene: JUP (junction plakoglobin; minus strand). Cytogenetic location: 17q21.2.
Variant type: single nucleotide variant.
Coding change: c.1787C>T on transcript NM_002230.4 (MANE Select); coding-DNA position 1787, C replaced by T.
Protein change: p.Ser596Leu; replaces serine 596 with leucine.
Molecular consequence: missense variant.
Genome position (GRCh38, 1-based): chr17:41,757,771, G>A on the plus strand (C>T on the coding strand, the complement: JUP is on the minus strand). VCF-style: chr17-41757771-G-A. GRCh37 (hg19) VCF-style: chr17-39914023-G-A.
Other names: c.1787C>T, p.Ser596Leu (NM_001352773.2, NM_001352774.2, NM_001352775.2 and 3 more transcripts); short protein forms S596L.
Identifiers: ClinVar variation 571117 (VCV000571117.10), dbSNP rs940226194, ClinGen allele CA290695706.